The following is an entry in ClinVar:

NM_005506.4(SCARB2):c.1369G>A (p.Ala457Thr)

Gene: SCARB2 (scavenger receptor class B member 2; minus strand). Cytogenetic location: 4q21.1.
Variant type: single nucleotide variant.
Coding change: c.1369G>A on transcript NM_005506.4 (MANE Select); coding-DNA position 1369, G replaced by A.
Protein change: p.Ala457Thr; replaces alanine 457 with threonine.
Molecular consequence: missense variant.
Genome position (GRCh38, 1-based): chr4:76,163,254, C>T on the plus strand (G>A on the coding strand, the complement: SCARB2 is on the minus strand). VCF-style: chr4-76163254-C-T. GRCh37 (hg19) VCF-style: chr4-77084407-C-T.
Other names: c.940G>A, p.Ala314Thr (NM_001204255.2); short protein forms A457T, A314T.
Identifiers: ClinVar variation 2090191 (VCV002090191.4), dbSNP rs757381866, ClinGen allele CA357313279.

ClinVar aggregate classification (germline): Uncertain significance (1 of 4 stars; one submission).

Conditions:
Progressive myoclonic epilepsy. Also called: Familial progressive myoclonic epilepsy; Progressive myoclonus epilepsy; Myoclonic Epilepsies, Progressive; Myoclonus epilepsy. Identifiers: Orphanet 308, Orphanet 98261, MedGen C0751778, MONDO:0020074.

Submission:

Labcorp Genetics (formerly Invitae), Labcorp
Classification: Uncertain significance for Progressive myoclonic epilepsy. Last evaluated: 2022-01-27. Review status: criteria provided, single submitter. Criteria: Invitae Variant Classification Sherloc (09022015). Collection method: clinical testing. Allele origin: germline.
Comment: In summary, the available evidence is currently insufficient to determine the role of this variant in disease. Therefore, it has been classified as a Variant of Uncertain Significance. Algorithms developed to predict the effect of missense changes on protein structure and function (SIFT, PolyPhen-2, Align-GVGD) all suggest that this variant is likely to be tolerated. This variant has not been reported in the literature in individuals affected with SCARB2-related conditions. This variant is not present in population databases (gnomAD no frequency). This sequence change replaces alanine, which is neutral and non-polar, with threonine, which is neutral and polar, at codon 457 of the SCARB2 protein (p.Ala457Thr).